The following is an entry in ClinVar:

ClinVar aggregate classification (germline): Likely benign (1 of 4 stars; one submission).

Submission:

CeGaT Center for Human Genetics Tuebingen
Classification: Likely benign. Last evaluated: 2023-04-01. Review status: criteria provided, single submitter. Criteria: CeGaT Center For Human Genetics Tuebingen Variant Classification Criteria Version 2. Collection method: clinical testing. Allele origin: germline. Affected: yes. Observed: 1 variant allele.
Comment: PHC3: PM2:Supporting, BP4, BP7

NM_024947.4(PHC3):c.2877T>C (p.Asp959=)

Gene: PHC3 (polyhomeotic homolog 3; minus strand). Cytogenetic location: 3q26.2.
Variant type: single nucleotide variant.
Coding change: c.2877T>C on transcript NM_024947.4 (MANE Select); coding-DNA position 2877, T replaced by C.
Protein change: p.Asp959=; no amino-acid change (aspartic acid 959 retained).
Molecular consequence: synonymous variant.
Genome position (GRCh38, 1-based): chr3:170,097,341, A>G on the plus strand (T>C on the coding strand, the complement: PHC3 is on the minus strand). VCF-style: chr3-170097341-A-G. GRCh37 (hg19) VCF-style: chr3-169815129-A-G.
Other names: c.2841T>C, p.Asp947= (NM_001308116.2).
Identifiers: ClinVar variation 2654271 (VCV002654271.24), dbSNP rs2473727983, ClinGen allele CA436759024.